The following is an entry in ClinVar:

NM_014251.3(SLC25A13):c.363del (p.His122fs)

Gene: SLC25A13 (solute carrier family 25 member 13; minus strand). Cytogenetic location: 7q21.3.
Variant type: Deletion.
Coding change: c.363del on transcript NM_014251.3 (MANE Select); coding-DNA position 363, one base deleted (T; older notation c.363delT).
Protein change: p.His122fs; shifts the reading frame from histidine 122.
Molecular consequence: frameshift variant. On other transcripts: non-coding transcript variant (1).
Genome position (GRCh38, 1-based): chr7:96,208,943, A deleted on the plus strand (T on the coding strand, the reverse complement: SLC25A13 is on the minus strand); the first of 2 consecutive A bases (chr7:96,208,943-96,208,944); deleting either gives the same sequence. VCF-style (leftmost placement, unchanged base first): chr7-96208942-GA-G. GRCh37 (hg19) VCF-style: chr7-95838254-GA-G.
Other names: c.363del, p.His122fs (NM_001160210.2); short protein forms H122fs.
Identifiers: ClinVar variation 2125375 (VCV002125375.4), dbSNP rs2485894532, ClinGen allele CA2580077911.

ClinVar aggregate classification (germline): Pathogenic (1 of 4 stars; one submission).

Conditions:
Citrin deficiency. Identifiers: Orphanet 247582, MedGen C1997910, MONDO:0016602.

Submission:

Labcorp Genetics (formerly Invitae), Labcorp
Classification: Pathogenic for Citrin deficiency. Last evaluated: 2022-04-12. Review status: criteria provided, single submitter. Criteria: Invitae Variant Classification Sherloc (09022015). Collection method: clinical testing. Allele origin: germline.
Comment: For these reasons, this variant has been classified as Pathogenic. This variant has not been reported in the literature in individuals affected with SLC25A13-related conditions. This variant is not present in population databases (gnomAD no frequency). This sequence change creates a premature translational stop signal (p.His122Ilefs*25) in the SLC25A13 gene. It is expected to result in an absent or disrupted protein product. Loss-of-function variants in SLC25A13 are known to be pathogenic (PMID: 10369257, 14680984, 27405544).

Literature cited by the submitters: PubMed 10369257; PubMed 14680984; PubMed 27405544.